The following is an entry in ClinVar:

ClinVar aggregate classification (germline): Uncertain significance (1 of 4 stars; one submission).

Allele frequency attached by ClinVar (database versions not stated): gnomAD exomes below 0.00001; TOPMed below 0.00001.
gnomAD v4.1: 1 of 1,196,292 alleles (0.000084%); highest among the groups gnomAD compares: Non-Finnish European, 0.0001%; no homozygotes.

Submission:

Labcorp Genetics (formerly Invitae), Labcorp
Classification: Uncertain significance. Last evaluated: 2025-09-02. Review status: criteria provided, single submitter. Criteria: Invitae Variant Classification Sherloc (09022015). Collection method: clinical testing. Allele origin: germline.
Comment: This sequence change replaces alanine, which is neutral and non-polar, with valine, which is neutral and non-polar, at codon 26 of the NOTCH3 protein (p.Ala26Val). This variant is not present in population databases (gnomAD no frequency). This variant has not been reported in the literature in individuals affected with NOTCH3-related conditions. ClinVar contains an entry for this variant (Variation ID: 1362704). Invitae Evidence Modeling of protein sequence and biophysical properties (such as structural, functional, and spatial information, amino acid conservation, physicochemical variation, residue mobility, and thermodynamic stability) indicates that this missense variant is not expected to disrupt NOTCH3 protein function with a negative predictive value of 95%. In summary, the available evidence is currently insufficient to determine the role of this variant in disease. Therefore, it has been classified as a Variant of Uncertain Significance.

NM_000435.3(NOTCH3):c.77C>T (p.Ala26Val)

Gene: NOTCH3 (notch receptor 3; minus strand). Cytogenetic location: 19p13.12.
Variant type: single nucleotide variant.
Coding change: c.77C>T on transcript NM_000435.3 (MANE Select); coding-DNA position 77, C replaced by T.
Protein change: p.Ala26Val; replaces alanine 26 with valine.
Molecular consequence: missense variant.
Genome position (GRCh38, 1-based): chr19:15,200,829, G>A on the plus strand (C>T on the coding strand, the complement: NOTCH3 is on the minus strand). VCF-style: chr19-15200829-G-A. GRCh37 (hg19) VCF-style: chr19-15311640-G-A.
Other names: short protein forms A26V.
Identifiers: ClinVar variation 1362704 (VCV001362704.8), dbSNP rs1329279009, ClinGen allele CA404483547.